The following is an entry in ClinVar:

ClinVar aggregate classification (germline): Likely pathogenic. Review status: criteria provided, multiple submitters, no conflicts (2 of 4 stars). 2 submissions from 2 submitters: Likely pathogenic (2). Last evaluated 2018-06-29.

Conditions:
DNAAF1-related disorders.
Primary ciliary dyskinesia. Also called: Ciliary dyskinesia. Identifiers: Orphanet 244, MedGen C0008780, MONDO:0016575, HP:0012265.

Allele frequency attached by ClinVar (database versions not stated): gnomAD exomes below 0.00001 and 0.00001; TOPMed below 0.00001; ExAC 0.00002.
gnomAD v4.1: 7 of 1,614,164 alleles (0.00043%); highest among the groups gnomAD compares: Non-Finnish European, 0.00051%; no homozygotes.

Submissions (2):

Labcorp Genetics (formerly Invitae), Labcorp
Classification: Likely pathogenic for Ciliary dyskinesia. Last evaluated: 2018-06-29. Review status: criteria provided, single submitter. Criteria: Invitae Variant Classification Sherloc (09022015). Collection method: clinical testing. Allele origin: germline.
Comment: This sequence change replaces leucine with valine at codon 232 of the DNAAF1 protein (p.Leu232Val). The leucine residue is highly conserved and there is a small physicochemical difference between leucine and valine. This variant is present in population databases (rs761851970, ExAC 0.003%). This finding is consistent with autosomal recessive inheritance, and suggests that this variant contributes to disease. Algorithms developed to predict the effect of missense changes on protein structure and function do not agree on the potential impact of this missense change (SIFT: "Deleterious"; PolyPhen-2: "Possibly Damaging"; Align-GVGD: "Class C15"). Algorithms developed to predict the effect of sequence changes on RNA splicing suggest that this variant may create or strengthen a splice site, but this prediction has not been confirmed by published transcriptional studies. In summary, the currently available evidence indicates that the variant is pathogenic, but additional data are needed to prove that conclusively. Therefore, this variant has been classified as Likely Pathogenic.

Blueprint Genetics
Classification: Likely pathogenic for DNAAF1-related disorders. Last evaluated: 2018-02-17. Review status: criteria provided, single submitter. Criteria: ACMG Guidelines, 2015. Collection method: clinical testing. Allele origin: germline. Affected: yes. Observed: 1 variant allele.

NM_178452.6(DNAAF1):c.694C>G (p.Leu232Val)

Gene: DNAAF1 (dynein axonemal assembly factor 1; plus strand). Cytogenetic location: 16q24.1.
Variant type: single nucleotide variant.
Coding change: c.694C>G on transcript NM_178452.6 (MANE Select); coding-DNA position 694, C replaced by G.
Protein change: p.Leu232Val; replaces leucine 232 with valine.
Molecular consequence: missense variant.
Genome position (GRCh38, 1-based): chr16:84,155,702, C>G. VCF-style: chr16-84155702-C-G. GRCh37 (hg19) VCF-style: chr16-84189307-C-G.
Other names: short protein forms L232V.
Identifiers: ClinVar variation 579235 (VCV000579235.2), dbSNP rs761851970, ClinGen allele CA8202574.
Genomic context (GRCh38, chr16:84,155,702, plus strand): 5'-GACATTCAGCATCTACAAGAGTGTTTGAGGCTTTGTGTCCTTGACCTTTCGCACAACAAG[C>G]TGAGTGACCCGGAGATCCTGAGCATTCTGGAAAGCATGCCCGATTTGGTAAAAAACAAAA-3'
Protein context (NP_848547.4, residues 222-242): LCVLDLSHNK[Leu232Val]SDPEILSILE